The following is an entry in ClinVar:

ClinVar aggregate classification (germline): Uncertain significance. Review status: criteria provided, multiple submitters, no conflicts (2 of 4 stars). 4 submissions from 4 submitters: Uncertain significance (4). Last evaluated 2025-06-29.

Conditions:
Inborn genetic diseases. Identifiers: MedGen C0950123, MeSH D030342.
Neuropathy, hereditary motor and sensory, type 6B (HMSN6B). Also called: HMSN VIB; CHARCOT-MARIE-TOOTH DISEASE, TYPE 6B; Neuropathy, hereditary motor and sensory, type VIB; NEUROPATHY, HEREDITARY MOTOR AND SENSORY, TYPE VIB, WITH OPTIC ATROPHY. Identifiers: MedGen C4225302, MONDO:0014671, OMIM 616505.

Allele frequency attached by ClinVar (database versions not stated): gnomAD exomes 0.00002 and 0.00005; ExAC 0.00003; TOPMed 0.00004; gnomAD 0.00005; ESP Exome Variant Server 0.00008.
gnomAD v4.1: 83 of 1,613,694 alleles (0.0051%); highest among the groups gnomAD compares: Non-Finnish European, 0.007%; no homozygotes.

Submissions (4):

Ambry Genetics
Classification: Uncertain significance for Inborn genetic diseases. Last evaluated: 2025-06-29. Review status: criteria provided, single submitter. Criteria: Ambry Variant Classification Scheme 2023. Collection method: clinical testing. Allele origin: germline.

GeneDx
Classification: Uncertain significance. Last evaluated: 2025-02-19. Review status: criteria provided, single submitter. Criteria: GeneDx Variant Classification Process June 2021. Collection method: clinical testing. Allele origin: germline. Affected: yes.
Comment: Not observed at significant frequency in large population cohorts (gnomAD); In silico analysis supports that this missense variant has a deleterious effect on protein structure/function; Has not been previously published as pathogenic or benign to our knowledge

Blueprint Genetics
Classification: Uncertain significance. Last evaluated: 2024-11-21. Review status: criteria provided, single submitter. Criteria: ACMG Guidelines, 2015. Collection method: clinical testing. Allele origin: germline.

Labcorp Genetics (formerly Invitae), Labcorp
Classification: Uncertain significance for Neuropathy, hereditary motor and sensory, type 6B. Last evaluated: 2022-07-07. Review status: criteria provided, single submitter. Criteria: Invitae Variant Classification Sherloc (09022015). Collection method: clinical testing. Allele origin: germline.
Comment: This sequence change replaces leucine, which is neutral and non-polar, with arginine, which is basic and polar, at codon 259 of the SLC25A46 protein (p.Leu259Arg). This variant is present in population databases (rs150754737, gnomAD 0.006%). This variant has not been reported in the literature in individuals affected with SLC25A46-related conditions. ClinVar contains an entry for this variant (Variation ID: 475801). Algorithms developed to predict the effect of missense changes on protein structure and function (SIFT, PolyPhen-2, Align-GVGD) all suggest that this variant is likely to be disruptive. In summary, the available evidence is currently insufficient to determine the role of this variant in disease. Therefore, it has been classified as a Variant of Uncertain Significance.

NM_138773.4(SLC25A46):c.776T>G (p.Leu259Arg)

Gene: SLC25A46 (solute carrier family 25 member 46; plus strand). Cytogenetic location: 5q22.1.
Variant type: single nucleotide variant.
Coding change: c.776T>G on transcript NM_138773.4 (MANE Select); coding-DNA position 776, T replaced by G.
Protein change: p.Leu259Arg; replaces leucine 259 with arginine.
Molecular consequence: missense variant. On other transcripts: non-coding transcript variant (1), intron variant (1).
Genome position (GRCh38, 1-based): chr5:110,761,301, T>G. VCF-style: chr5-110761301-T-G. GRCh37 (hg19) VCF-style: chr5-110097001-T-G.
Other names: c.503T>G, p.Leu168Arg (NM_001303250.3); c.679-146T>G (NM_001303249.3); short protein forms L259R, L168R.
Identifiers: ClinVar variation 475801 (VCV000475801.13), dbSNP rs150754737, ClinGen allele CA3364744.